The following is an entry in ClinVar:

NM_001278182.2(EOMES):c.339G>A (p.Glu113=)

Genes: EOMES (eomesodermin; minus strand), LOC129936390 (ATAC-STARR-seq lymphoblastoid silent region 14153; plus strand). Cytogenetic location: 3p24.1.
Variant type: single nucleotide variant.
Coding change: c.339G>A on transcript NM_001278182.2 (MANE Select); coding-DNA position 339, G replaced by A.
Protein change: p.Glu113=; no amino-acid change (glutamic acid 113 retained).
Molecular consequence: synonymous variant. On other transcripts: intron variant (1).
Genome position (GRCh38, 1-based): chr3:27,721,956, C>T on the plus strand (G>A on the coding strand, the complement: EOMES is on the minus strand). VCF-style: chr3-27721956-C-T. GRCh37 (hg19) VCF-style: chr3-27763447-C-T.
Other names: c.339G>A, p.Glu113= (NM_005442.4); c.-5+474G>A (NM_001278183.2).
Identifiers: ClinVar variation 727252 (VCV000727252.28), dbSNP rs546902544, ClinGen allele CA2292784.

ClinVar aggregate classification (germline): Likely benign. Review status: criteria provided, multiple submitters, no conflicts (2 of 4 stars). 3 submissions from 3 submitters: Likely benign (2). 1 of the submissions does not count toward it. Last evaluated 2023-04-01.

Conditions:
EOMES-related disorder. Also called: EOMES-related condition.

Allele frequency attached by ClinVar (database versions not stated): gnomAD exomes 0.00009; ExAC 0.00031; gnomAD 0.00120 and 0.00127; TOPMed 0.00137; 1000 Genomes Project 30x 0.00203; 1000 Genomes Project 0.00260.
gnomAD v4.1: 302 of 1,419,972 alleles (0.021%); highest among the groups gnomAD compares: African/African-American, 0.44%; 1 homozygote.

Submissions (3):

CeGaT Center for Human Genetics Tuebingen
Classification: Likely benign. Last evaluated: 2023-04-01. Review status: criteria provided, single submitter. Criteria: CeGaT Center For Human Genetics Tuebingen Variant Classification Criteria Version 2. Collection method: clinical testing. Allele origin: germline. Affected: yes. Observed: 1 variant allele.
Comment: EOMES: BP4, BP7

Labcorp Genetics (formerly Invitae), Labcorp
Classification: Likely benign. Last evaluated: 2018-05-14. Review status: criteria provided, single submitter. Criteria: Invitae Variant Classification Sherloc (09022015). Collection method: clinical testing. Allele origin: germline.

PreventionGenetics, part of Exact Sciences
Classification: Likely benign for EOMES-related condition. Last evaluated: 2021-12-01. Review status: no assertion criteria provided. Collection method: clinical testing. Allele origin: germline. Not counted in ClinVar's aggregate classification.
Comment: This variant is classified as likely benign based on ACMG/AMP sequence variant interpretation guidelines (Richards et al. 2015 PMID: 25741868, with internal and published modifications).